The following is an entry in ClinVar:

ClinVar aggregate classification (germline): Uncertain significance (1 of 4 stars; one submission).

Conditions:
MYBPC2-related disorder. Also called: MYBPC2-related condition.

gnomAD v4.1: 16 of 1,606,236 alleles (0.001%); highest among the groups gnomAD compares: Non-Finnish European, 0.0014%; no homozygotes.

Submission:

PreventionGenetics, part of Exact Sciences
Classification: Uncertain significance for MYBPC2-related condition. Last evaluated: 2023-05-03. Review status: criteria provided, single submitter. Criteria: ACMG Guidelines, 2015. Collection method: clinical testing. Allele origin: germline.
Comment: The MYBPC2 c.2507-9C>A variant is predicted to interfere with splicing. To our knowledge, this variant has not been reported in the literature. This variant is reported in 0.00083% of alleles in individuals of European (Non-Finnish) descent in gnomAD. At this time, the clinical significance of this variant is uncertain due to the absence of conclusive functional and genetic evidence.

NM_004533.4(MYBPC2):c.2507-9C>A

Gene: MYBPC2 (myosin binding protein C2; plus strand). Cytogenetic location: 19q13.33.
Variant type: single nucleotide variant.
Coding change: c.2507-9C>A on transcript NM_004533.4 (MANE Select); 9 bases into the intron before coding-DNA position 2507, C replaced by A.
Molecular consequence: intron variant.
Genome position (GRCh38, 1-based): chr19:50,458,909, C>A. VCF-style: chr19-50458909-C-A. GRCh37 (hg19) VCF-style: chr19-50962166-C-A.
Identifiers: ClinVar variation 2629290 (VCV002629290.1), dbSNP rs1347761768, ClinGen allele CA633898191.